The following is an entry in ClinVar:

ClinVar aggregate classification (germline): Uncertain significance (1 of 4 stars; one submission).

gnomAD v4.1: 1 of 1,614,132 alleles (0.000062%); highest among the groups gnomAD compares: African/African-American, 0.0013%; no homozygotes.

Submission:

Labcorp Genetics (formerly Invitae), Labcorp
Classification: Uncertain significance. Last evaluated: 2026-01-07. Review status: criteria provided, single submitter. Criteria: Invitae Variant Classification Sherloc (09022015). Collection method: clinical testing. Allele origin: germline.
Comment: This sequence change replaces glutamine, which is neutral and polar, with arginine, which is basic and polar, at codon 643 of the A2ML1 protein (p.Gln643Arg). This variant is not present in population databases (gnomAD no frequency). This variant has not been reported in the literature in individuals affected with A2ML1-related conditions. An algorithm developed to predict the effect of missense changes on protein structure and function outputs the following: PolyPhen-2: "Benign". The arginine amino acid residue is found in multiple mammalian species, which suggests that this missense change does not adversely affect protein function. In summary, the available evidence is currently insufficient to determine the role of this variant in disease. Therefore, it has been classified as a Variant of Uncertain Significance.

NM_144670.6(A2ML1):c.1928A>G (p.Gln643Arg)

Gene: A2ML1 (alpha-2-macroglobulin like 1; plus strand). Cytogenetic location: 12p13.31.
Variant type: single nucleotide variant.
Coding change: c.1928A>G on transcript NM_144670.6 (MANE Select); coding-DNA position 1928, A replaced by G.
Protein change: p.Gln643Arg; replaces glutamine 643 with arginine.
Molecular consequence: missense variant.
Genome position (GRCh38, 1-based): chr12:8,848,814, A>G. VCF-style: chr12-8848814-A-G. GRCh37 (hg19) VCF-style: chr12-9001410-A-G.
Other names: c.455A>G, p.Gln152Arg (NM_001282424.3); short protein forms Q152R, Q643R.
Identifiers: ClinVar variation 4770148 (VCV004770148.1).
Genomic context (GRCh38, chr12:8,848,814, plus strand): 5'-ACCCCTATCAAGTGGCTGAGTATGATCAGTGTCCAGTGTCTGGCCCATGGGACTTTCCTC[A>G]GCCCCTCATTGACCCAATGCCCCAAGGGCATTCGAGCCAGCGTTCCATTATCTGGAGGCC-3'
Protein context (NP_653271.3, residues 633-653): CPVSGPWDFP[Gln643Arg]PLIDPMPQGH